The following is an entry in ClinVar:

NM_000784.4(CYP27A1):c.56G>T (p.Gly19Val)

Gene: CYP27A1 (cytochrome P450 family 27 subfamily A member 1; plus strand). Cytogenetic location: 2q35.
Variant type: single nucleotide variant.
Coding change: c.56G>T on transcript NM_000784.4 (MANE Select); coding-DNA position 56, G replaced by T.
Protein change: p.Gly19Val; replaces glycine 19 with valine.
Molecular consequence: missense variant.
Genome position (GRCh38, 1-based): chr2:218,782,238, G>T. VCF-style: chr2-218782238-G-T. GRCh37 (hg19) VCF-style: chr2-219646961-G-T.
Other names: short protein forms G19V.
Identifiers: ClinVar variation 1461563 (VCV001461563.6), dbSNP rs1203579586, ClinGen allele CA350575602.

ClinVar aggregate classification (germline): Uncertain significance (1 of 4 stars; one submission).

Conditions:
Cholestanol storage disease (CTX). Also called: Cerebrotendinous Xanthomatosis; CEREBRAL CHOLESTERINOSIS; CTX: Cerebrotendinous xanthomatosis. Identifiers: Orphanet 909, MedGen C0238052, MONDO:0008948, OMIM 213700.

Allele frequency attached by ClinVar (database versions not stated): gnomAD exomes below 0.00001 and 0.00001.
gnomAD v4.1: 1 of 1,546,620 alleles (0.000065%); highest among the groups gnomAD compares: East Asian, 0.0024%; no homozygotes.

Submission:

Labcorp Genetics (formerly Invitae), Labcorp
Classification: Uncertain significance for Cholestanol storage disease. Last evaluated: 2025-11-24. Review status: criteria provided, single submitter. Criteria: Invitae Variant Classification Sherloc (09022015). Collection method: clinical testing. Allele origin: germline.
Comment: This sequence change replaces glycine, which is neutral and non-polar, with valine, which is neutral and non-polar, at codon 19 of the CYP27A1 protein (p.Gly19Val). The frequency data for this variant in the population databases is considered unreliable, as metrics indicate poor data quality at this position in the gnomAD database. This variant has not been reported in the literature in individuals affected with CYP27A1-related conditions. ClinVar contains an entry for this variant (Variation ID: 1461563). Invitae Evidence Modeling of protein sequence and biophysical properties (such as structural, functional, and spatial information, amino acid conservation, physicochemical variation, residue mobility, and thermodynamic stability) indicates that this missense variant is not expected to disrupt CYP27A1 protein function with a negative predictive value of 95%. In summary, the available evidence is currently insufficient to determine the role of this variant in disease. Therefore, it has been classified as a Variant of Uncertain Significance.